The following is an entry in ClinVar:

NM_000313.4(PROS1):c.849+2T>G

Gene: PROS1 (protein S; minus strand). Cytogenetic location: 3q11.1.
Variant type: single nucleotide variant.
Coding change: c.849+2T>G on transcript NM_000313.4 (MANE Select); the canonical splice donor site of the intron after coding-DNA position 849, T replaced by G.
Molecular consequence: splice donor variant.
Genome position (GRCh38, 1-based): chr3:93,898,446, A>C on the plus strand (T>G on the coding strand, the complement: PROS1 is on the minus strand). VCF-style: chr3-93898446-A-C. GRCh37 (hg19) VCF-style: chr3-93617290-A-C.
Other names: c.945+2T>G (NM_001314077.2).
Identifiers: ClinVar variation 2842270 (VCV002842270.3), dbSNP rs2472132174, ClinGen allele CA353672760.
Genomic context (GRCh38, chr3:93,898,446, plus strand): 5'-AAGTATCTAGGATCTCTCATTTTAGAAAACAGGTGAGAAGTTAAGCATTGTAAAATGTTT[A>C]CCTCACAACTCTTCTGATCTTGGGCAAGTTTGAATCCTTTCTTCCCATCACAATAGCAAG-3'

ClinVar aggregate classification (germline): Likely pathogenic (1 of 4 stars; one submission).

Conditions:
Thrombophilia due to protein S deficiency, autosomal recessive (THPH6). Identifiers: Orphanet 743, MedGen C3281092, MONDO:0013791, OMIM 614514. Disease mechanism: loss of function.

Submission:

Labcorp Genetics (formerly Invitae), Labcorp
Classification: Likely pathogenic for Thrombophilia due to protein S deficiency, autosomal recessive. Last evaluated: 2023-03-02. Review status: criteria provided, single submitter. Criteria: Invitae Variant Classification Sherloc (09022015). Collection method: clinical testing. Allele origin: germline.
Comment: In summary, the currently available evidence indicates that the variant is pathogenic, but additional data are needed to prove that conclusively. Therefore, this variant has been classified as Likely Pathogenic. Algorithms developed to predict the effect of sequence changes on RNA splicing suggest that this variant may disrupt the consensus splice site. This variant has not been reported in the literature in individuals affected with PROS1-related conditions. This sequence change affects a donor splice site in intron 8 of the PROS1 gene. It is expected to disrupt RNA splicing. Variants that disrupt the donor or acceptor splice site typically lead to a loss of protein function (PMID: 16199547), and loss-of-function variants in PROS1 are known to be pathogenic (PMID: 9241758). This variant is not present in population databases (gnomAD no frequency).

Literature cited by the submitters: PubMed 16199547; PubMed 9241758.